The following is an entry in ClinVar:

NM_020911.2(PLXNA4):c.2383G>T (p.Ala795Ser)

Gene: PLXNA4 (plexin A4; minus strand). Cytogenetic location: 7q32.3.
Variant type: single nucleotide variant.
Coding change: c.2383G>T on transcript NM_020911.2 (MANE Select); coding-DNA position 2383, G replaced by T.
Protein change: p.Ala795Ser; replaces alanine 795 with serine.
Molecular consequence: missense variant.
Genome position (GRCh38, 1-based): chr7:132,203,335, C>A on the plus strand (G>T on the coding strand, the complement: PLXNA4 is on the minus strand). VCF-style: chr7-132203335-C-A. GRCh37 (hg19) VCF-style: chr7-131888094-C-A.
Other names: c.2383G>T, p.Ala795Ser (NM_001393897.1); short protein forms A795S.
Identifiers: ClinVar variation 3354194 (VCV003354194.2).

ClinVar aggregate classification (germline): Uncertain significance (1 of 4 stars; one submission).

Conditions:
PLXNA4-related disorder. Also called: PLXNA4-related condition.

gnomAD v4.1: 2 of 1,613,810 alleles (0.00012%); highest among the groups gnomAD compares: African/African-American, 0.0027%; no homozygotes.

Submission:

PreventionGenetics, part of Exact Sciences
Classification: Uncertain significance for PLXNA4-related condition. Last evaluated: 2026-02-25. Review status: criteria provided, single submitter. Criteria: ACMG Guidelines, 2015. Collection method: clinical testing. Allele origin: germline.
Comment: The PLXNA4 c.2383G>T variant is predicted to result in the amino acid substitution p.Ala795Ser. To our knowledge, this variant has not been reported in the literature or in a large population database (gnomAD), indicating this variant is rare. At this time, the clinical significance of this variant is uncertain due to the absence of conclusive functional and genetic evidence.